The following is an entry in ClinVar:

NM_006231.4(POLE):c.2255C>G (p.Ser752Cys)

Gene: POLE (DNA polymerase epsilon, catalytic subunit; minus strand). Cytogenetic location: 12q24.33.
Variant type: single nucleotide variant.
Coding change: c.2255C>G on transcript NM_006231.4 (MANE Select); coding-DNA position 2255, C replaced by G.
Protein change: p.Ser752Cys; replaces serine 752 with cysteine.
Molecular consequence: missense variant.
Genome position (GRCh38, 1-based): chr12:132,667,567, G>C on the plus strand (C>G on the coding strand, the complement: POLE is on the minus strand). VCF-style: chr12-132667567-G-C. GRCh37 (hg19) VCF-style: chr12-133244153-G-C.
Other names: short protein forms S752C.
Identifiers: ClinVar variation 3422140 (VCV003422140.1).

ClinVar aggregate classification (germline): Uncertain significance (1 of 4 stars; one submission).

Conditions:
Hereditary cancer-predisposing syndrome. Also called: Neoplastic Syndromes, Hereditary; Tumor predisposition; Hereditary Cancer Syndrome; Hereditary neoplastic syndrome. Identifiers: Orphanet 140162, MedGen C0027672, MeSH D009386, MONDO:0015356.

Submission:

Ambry Genetics
Classification: Uncertain significance for Hereditary cancer-predisposing syndrome. Last evaluated: 2024-08-21. Review status: criteria provided, single submitter. Criteria: Ambry Variant Classification Scheme 2023. Collection method: clinical testing. Allele origin: germline.
Comment: The p.S752C variant (also known as c.2255C>G), located in coding exon 20 of the POLE gene, results from a C to G substitution at nucleotide position 2255. The serine at codon 752 is replaced by cysteine, an amino acid with dissimilar properties. This amino acid position is conserved. In addition, the in silico prediction for this alteration is inconclusive. Based on the available evidence, the clinical significance of this variant remains unclear.